The following is an entry in ClinVar:

ClinVar aggregate classification (germline): Uncertain significance. Review status: criteria provided, multiple submitters, no conflicts (2 of 4 stars). 7 submissions from 6 submitters: Uncertain significance (6). 1 of the submissions does not count toward it. Last evaluated 2024-10-30.

Conditions:
Usher syndrome type 2A. Also called: RETINAL DISEASE IN USHER SYNDROME TYPE IIA, MODIFIER OF; USHER SYNDROME, TYPE IIA. Identifiers: Orphanet 231178, Orphanet 886, MedGen C1848634, MONDO:0010169, OMIM 276901.
Retinitis pigmentosa 39 (RP39). Identifiers: Orphanet 791, MedGen C3151138, MONDO:0013436, OMIM 613809.

Allele frequency attached by ClinVar (database versions not stated): ExAC 0.00002; TOPMed 0.00002; gnomAD exomes 0.00003 and 0.00014; gnomAD 0.00005.
gnomAD v4.1: 209 of 1,613,716 alleles (0.013%); highest among the groups gnomAD compares: Non-Finnish European, 0.016%; no homozygotes.

Submissions (7):

Blueprint Genetics
Classification: Uncertain significance. Last evaluated: 2024-10-30. Review status: criteria provided, single submitter. Criteria: ACMG Guidelines, 2015. Collection method: clinical testing. Allele origin: germline.

Labcorp Genetics (formerly Invitae), Labcorp
Classification: Uncertain significance. Last evaluated: 2024-02-17. Review status: criteria provided, single submitter. Criteria: Invitae Variant Classification Sherloc (09022015). Collection method: clinical testing. Allele origin: germline.
Comment: This sequence change replaces asparagine, which is neutral and polar, with histidine, which is basic and polar, at codon 2514 of the USH2A protein (p.Asn2514His). This variant is present in population databases (rs777618162, gnomAD 0.006%). This variant has not been reported in the literature in individuals affected with USH2A-related conditions. ClinVar contains an entry for this variant (Variation ID: 429973). Advanced modeling of protein sequence and biophysical properties (such as structural, functional, and spatial information, amino acid conservation, physicochemical variation, residue mobility, and thermodynamic stability) has been performed at Invitae for this missense variant, however the output from this modeling did not meet the statistical confidence thresholds required to predict the impact of this variant on USH2A protein function. In summary, the available evidence is currently insufficient to determine the role of this variant in disease. Therefore, it has been classified as a Variant of Uncertain Significance.

Genome-Nilou Lab
Classification: Uncertain significance for Retinitis pigmentosa 39. Last evaluated: 2023-11-04. Review status: criteria provided, single submitter. Criteria: ACMG Guidelines, 2015. Collection method: clinical testing. Allele origin: germline. Affected: no.

Genome-Nilou Lab
Classification: Uncertain significance for Usher syndrome type 2A. Last evaluated: 2023-11-04. Review status: criteria provided, single submitter. Criteria: ACMG Guidelines, 2015. Collection method: clinical testing. Allele origin: germline. Affected: no.

GeneDx
Classification: Uncertain significance. Last evaluated: 2023-07-02. Review status: criteria provided, single submitter. Criteria: GeneDx Variant Classification Process June 2021. Collection method: clinical testing. Allele origin: germline. Affected: yes.
Comment: Not observed at significant frequency in large population cohorts (gnomAD); In silico analysis supports that this missense variant has a deleterious effect on protein structure/function; Has not been previously published as pathogenic or benign to our knowledge

Fulgent Genetics
Classification: Uncertain significance for Usher syndrome type 2A; Retinitis pigmentosa 39. Last evaluated: 2021-07-11. Review status: criteria provided, single submitter. Criteria: ACMG Guidelines, 2015. Collection method: clinical testing. Allele origin: unknown.

Natera, Inc.
Classification: Uncertain significance for Usher syndrome type 2A. Last evaluated: 2019-11-11. Review status: no assertion criteria provided. Collection method: clinical testing. Allele origin: germline. Not counted in ClinVar's aggregate classification.

NM_206933.4(USH2A):c.7540A>C (p.Asn2514His)

Gene: USH2A (usherin; minus strand). Cytogenetic location: 1q41.
Variant type: single nucleotide variant.
Coding change: c.7540A>C on transcript NM_206933.4 (MANE Select); coding-DNA position 7540, A replaced by C.
Protein change: p.Asn2514His; replaces asparagine 2514 with histidine.
Molecular consequence: missense variant.
Genome position (GRCh38, 1-based): chr1:215,900,129, T>G on the plus strand (A>C on the coding strand, the complement: USH2A is on the minus strand). VCF-style: chr1-215900129-T-G. GRCh37 (hg19) VCF-style: chr1-216073471-T-G.
Other names: short protein forms N2514H.
Identifiers: ClinVar variation 429973 (VCV000429973.13), dbSNP rs777618162, ClinGen allele CA1394811.
Genomic context (GRCh38, chr1:215,900,129, plus strand): 5'-ACTTACTGTCCTCTGCGGTCATGAATGGAATCCAAGAACTATGTGCACTGCCAAATCCAT[T>G]GGAGGCAACCAACCGAAACATATACTCTGTGTACGGTTGGAGATCACTCACTTCATAGCT-3'
Protein context (NP_996816.3, residues 2504-2524): TEYMFRLVAS[Asn2514His]GFGSAHSSWI